The following is an entry in ClinVar:

ClinVar aggregate classification (germline): Uncertain significance (1 of 4 stars; one submission).

Conditions:
Hereditary cancer-predisposing syndrome. Also called: Tumor predisposition; Hereditary Cancer Syndrome; Hereditary neoplastic syndrome; Neoplastic Syndromes, Hereditary. Identifiers: Orphanet 140162, MedGen C0027672, MeSH D009386, MONDO:0015356.

Submission:

Ambry Genetics
Classification: Uncertain significance for Hereditary cancer-predisposing syndrome. Last evaluated: 2024-05-31. Review status: criteria provided, single submitter. Criteria: Ambry Variant Classification Scheme 2023. Collection method: clinical testing. Allele origin: germline.
Comment: The p.V187I variant (also known as c.559G>A), located in coding exon 6 of the PMS2 gene, results from a G to A substitution at nucleotide position 559. The valine at codon 187 is replaced by isoleucine, an amino acid with highly similar properties. This amino acid position is well conserved in available vertebrate species. In addition, this alteration is predicted to be tolerated by in silico analysis. Based on the available evidence, the clinical significance of this variant remains unclear.

NM_000535.7(PMS2):c.559G>A (p.Val187Ile)

Gene: PMS2 (PMS1 homolog 2, mismatch repair system component; minus strand). Cytogenetic location: 7p22.1.
Variant type: single nucleotide variant.
Coding change: c.559G>A on transcript NM_000535.7 (MANE Select); coding-DNA position 559, G replaced by A.
Protein change: p.Val187Ile; replaces valine 187 with isoleucine.
Molecular consequence: missense variant. On other transcripts: non-coding transcript variant (1), intron variant (9).
Genome position (GRCh38, 1-based): chr7:5,999,254, C>T on the plus strand (G>A on the coding strand, the complement: PMS2 is on the minus strand). VCF-style: chr7-5999254-C-T. GRCh37 (hg19) VCF-style: chr7-6038885-C-T.
Other names: c.154G>A, p.Val52Ile (NM_001322003.2, NM_001322004.2, NM_001322005.2 and 21 more transcripts); c.559G>A, p.Val187Ile (NM_001322006.2, NM_001322014.2, NM_001406869.1 and 5 more transcripts); c.241G>A, p.Val81Ile (NM_001322007.2, NM_001322008.2, NM_001406876.1 and 4 more transcripts); c.250G>A, p.Val84Ile (NM_001322015.2, NM_001406875.1, NM_001406877.1 and 6 more transcripts); c.745G>A, p.Val249Ile (NM_001406866.1); c.583G>A, p.Val195Ile (NM_001406868.1); c.132+3199G>A (NM_001406911.1); c.133-1831G>A (NM_001322013.2, NM_001406909.1); and 4 more; short protein forms V81I, V187I, V195I, V249I, V52I, V84I.
Identifiers: ClinVar variation 3308111 (VCV003308111.1).